The following is an entry in ClinVar:

NM_004341.5(CAD):c.686A>G (p.Tyr229Cys)

Gene: CAD (carbamoyl-phosphate synthetase 2, aspartate transcarbamylase, and dihydroorotase; plus strand). Cytogenetic location: 2p23.3.
Variant type: single nucleotide variant.
Coding change: c.686A>G on transcript NM_004341.5 (MANE Select); coding-DNA position 686, A replaced by G.
Protein change: p.Tyr229Cys; replaces tyrosine 229 with cysteine.
Molecular consequence: missense variant.
Genome position (GRCh38, 1-based): chr2:27,222,914, A>G. VCF-style: chr2-27222914-A-G. GRCh37 (hg19) VCF-style: chr2-27445782-A-G.
Other names: c.686A>G, p.Tyr229Cys (NM_001306079.2); c.686A>G (NM_004341.3); short protein forms Y229C.
Identifiers: ClinVar variation 729628 (VCV000729628.12), dbSNP rs542805154, ClinGen allele CA1572499.

ClinVar aggregate classification (germline): Likely benign. Review status: criteria provided, multiple submitters, no conflicts (2 of 4 stars). 3 submissions from 3 submitters: Likely benign (2). 1 of the submissions does not count toward it. Last evaluated 2026-02-02.

Conditions:
Inborn genetic diseases. Identifiers: MedGen C0950123, MeSH D030342.
CAD-related disorder. Also called: CAD-related condition.

Allele frequency attached by ClinVar (database versions not stated): gnomAD 0.00007 and 0.00008; TOPMed 0.00023.
gnomAD v4.1: 163 of 1,614,048 alleles (0.01%); highest among the groups gnomAD compares: Admixed American, 0.26%; 1 homozygote.

Submissions (3):

Labcorp Genetics (formerly Invitae), Labcorp
Classification: Likely benign. Last evaluated: 2026-02-02. Review status: criteria provided, single submitter. Criteria: Invitae Variant Classification Sherloc (09022015). Collection method: clinical testing. Allele origin: germline.

Ambry Genetics
Classification: Likely benign for Inborn genetic diseases. Last evaluated: 2021-08-10. Review status: criteria provided, single submitter. Criteria: Ambry Variant Classification Scheme 2023. Collection method: clinical testing. Allele origin: germline.

PreventionGenetics, part of Exact Sciences
Classification: Likely benign for CAD-related condition. Last evaluated: 2024-03-07. Review status: no assertion criteria provided. Collection method: clinical testing. Allele origin: germline. Not counted in ClinVar's aggregate classification.
Comment: This variant is classified as likely benign based on ACMG/AMP sequence variant interpretation guidelines (Richards et al. 2015 PMID: 25741868, with internal and published modifications).